The following is an entry in ClinVar:

NM_024678.6(NARS2):c.32T>C (p.Val11Ala)

Gene: NARS2 (asparaginyl-tRNA synthetase 2, mitochondrial; minus strand). Cytogenetic location: 11q14.1.
Variant type: single nucleotide variant.
Coding change: c.32T>C on transcript NM_024678.6 (MANE Select); coding-DNA position 32, T replaced by C.
Protein change: p.Val11Ala; replaces valine 11 with alanine.
Molecular consequence: missense variant. On other transcripts: intron variant (1).
Genome position (GRCh38, 1-based): chr11:78,574,457, A>G on the plus strand (T>C on the coding strand, the complement: NARS2 is on the minus strand). VCF-style: chr11-78574457-A-G. GRCh37 (hg19) VCF-style: chr11-78285502-A-G.
Other names: c.-541+372T>C (NM_001243251.2); short protein forms V11A.
Identifiers: ClinVar variation 2008811 (VCV002008811.4), dbSNP rs2497198481, ClinGen allele CA382180838.

ClinVar aggregate classification (germline): Uncertain significance (1 of 4 stars; one submission).

Allele frequency attached by ClinVar (database versions not stated): gnomAD exomes below 0.00001.
gnomAD v4.1: 1 of 1,613,814 alleles (0.000062%); highest among the groups gnomAD compares: Non-Finnish European, 0.000085%; no homozygotes.

Submission:

Labcorp Genetics (formerly Invitae), Labcorp
Classification: Uncertain significance. Last evaluated: 2022-06-21. Review status: criteria provided, single submitter. Criteria: Invitae Variant Classification Sherloc (09022015). Collection method: clinical testing. Allele origin: germline.
Comment: In summary, the available evidence is currently insufficient to determine the role of this variant in disease. Therefore, it has been classified as a Variant of Uncertain Significance. Algorithms developed to predict the effect of missense changes on protein structure and function (SIFT, PolyPhen-2, Align-GVGD) all suggest that this variant is likely to be tolerated. This variant has not been reported in the literature in individuals affected with NARS2-related conditions. This variant is not present in population databases (gnomAD no frequency). This sequence change replaces valine, which is neutral and non-polar, with alanine, which is neutral and non-polar, at codon 11 of the NARS2 protein (p.Val11Ala).